The following is an entry in ClinVar:

NM_024496.4(IRF2BPL):c.64_72del (p.Met22_Trp24del)

Genes: IRF2BPL (interferon regulatory factor 2 binding protein like; minus strand), LOC107984638 (uncharacterized LOC107984638; plus strand). Cytogenetic location: 14q24.3.
Variant type: Deletion.
Coding change: c.64_72del on transcript NM_024496.4 (MANE Select); coding-DNA positions 64 to 72, 9 bases deleted (ATGCCCTGG; older notation c.64_72delATGCCCTGG).
Protein change: p.Met22_Trp24del.
Molecular consequence: inframe deletion.
Genome position (GRCh38, 1-based): chr14:77,027,721-77,027,729, CCAGGGCAT deleted on the plus strand (ATGCCCTGG on the coding strand, the reverse complement: IRF2BPL is on the minus strand). VCF-style (leftmost placement, unchanged base first): chr14-77027720-CCCAGGGCAT-C. GRCh37 (hg19) VCF-style: chr14-77494063-CCCAGGGCAT-C.
Identifiers: ClinVar variation 2574852 (VCV002574852.1), dbSNP rs2503080130, ClinGen allele CA2580613737.
Genomic context (GRCh38, chr14:77,027,720, plus strand): 5'-CAGCGCCCTCGTAGTTGACGCAACCGCGGCATACGGGTTCCGAGAAGTCCCAGATCATGG[CCCAGGGCAT>C]GCGGGGCAGGTCGCACAGGTAGCAAGATTGTCTCCGGGACGAGGACACCTGCGCCGCCGA-3'

ClinVar aggregate classification (germline): Uncertain significance (1 of 4 stars; one submission).

Submission:

GeneDx
Classification: Uncertain significance. Last evaluated: 2023-02-02. Review status: criteria provided, single submitter. Criteria: GeneDx Variant Classification Process June 2021. Collection method: clinical testing. Allele origin: germline. Affected: yes.
Comment: In-frame deletion of 3 amino acids in a non-repeat region; Not observed at significant frequency in large population cohorts (gnomAD); In silico analysis supports that this variant does not alter protein structure/function; Has not been previously published as pathogenic or benign to our knowledge